The following is an entry in ClinVar:

ClinVar aggregate classification (germline): Benign (1 of 4 stars; one submission).

Conditions:
Hypophosphatasia. Also called: Phosphoethanol-aminuria. Identifiers: Orphanet 436, MedGen C0020630, MeSH D007014, MONDO:0018570.

Allele frequency attached by ClinVar (database versions not stated): TOPMed 0.00003; gnomAD 0.00010; gnomAD exomes 0.00183; 1000 Genomes Project 30x 0.00312; 1000 Genomes Project 0.00339.
gnomAD v4.1: 127 of 176,880 alleles (0.072%); highest among the groups gnomAD compares: South Asian, 1.6%; 2 homozygotes.

Submission:

Illumina Laboratory Services, Illumina
Classification: Benign for Hypophosphatasia. Last evaluated: 2018-01-13. Review status: criteria provided, single submitter. Criteria: ICSL Variant Classification Criteria 13 December 2019. Collection method: clinical testing. Allele origin: germline.
Comment: This variant was observed in the ICSL laboratory as part of a predisposition screen in an ostensibly healthy population. It had not been previously curated by ICSL or reported in the Human Gene Mutation Database (HGMD: prior to June 1st, 2018), and was therefore a candidate for classification through an automated scoring system. Utilizing variant allele frequency, disease prevalence and penetrance estimates, and inheritance mode, an automated score was calculated to assess if this variant is too frequent to cause the disease. Based on the score and internal cut-off values, a variant classified as benign is not then subjected to further curation. The score for this variant resulted in a classification of benign for this disease.

NM_000478.6(ALPL):c.*473G>T

Gene: ALPL (alkaline phosphatase, biomineralization associated; plus strand). Cytogenetic location: 1p36.12.
Variant type: single nucleotide variant.
Coding change: c.*473G>T on transcript NM_000478.6 (MANE Select); 473 bases downstream of the stop codon, G replaced by T.
Molecular consequence: 3 prime UTR variant.
Genome position (GRCh38, 1-based): chr1:21,578,121, G>T. VCF-style: chr1-21578121-G-T. GRCh37 (hg19) VCF-style: chr1-21904614-G-T.
Other names: c.*473G>T (NM_001127501.4, NM_001177520.3, NM_001369803.2 and 2 more transcripts).
Identifiers: ClinVar variation 295569 (VCV000295569.5), dbSNP rs536009840, ClinGen allele CA10609834.